The following is an entry in ClinVar:

NM_020937.4(FANCM):c.4856G>A (p.Ser1619Asn)

Gene: FANCM (FA complementation group M; plus strand). Cytogenetic location: 14q21.2.
Variant type: single nucleotide variant.
Coding change: c.4856G>A on transcript NM_020937.4 (MANE Select); coding-DNA position 4856, G replaced by A.
Protein change: p.Ser1619Asn; replaces serine 1619 with asparagine.
Molecular consequence: missense variant.
Genome position (GRCh38, 1-based): chr14:45,188,878, G>A. VCF-style: chr14-45188878-G-A. GRCh37 (hg19) VCF-style: chr14-45658081-G-A.
Other names: c.4778G>A, p.Ser1593Asn (NM_001308133.2); short protein forms S1593N, S1619N.
Identifiers: ClinVar variation 4022771 (VCV004022771.1).

ClinVar aggregate classification (germline): Uncertain significance (1 of 4 stars; one submission).

Conditions:
Inborn genetic diseases. Identifiers: MedGen C0950123, MeSH D030342.

gnomAD v4.1: 8 of 1,613,730 alleles (0.0005%); highest among the groups gnomAD compares: Non-Finnish European, 0.00068%; no homozygotes.

Submission:

Ambry Genetics
Classification: Uncertain significance for Inborn genetic diseases. Last evaluated: 2025-05-11. Review status: criteria provided, single submitter. Criteria: Ambry Variant Classification Scheme 2023. Collection method: clinical testing. Allele origin: germline.
Comment: The p.S1619N variant (also known as c.4856G>A), located in coding exon 20 of the FANCM gene, results from a G to A substitution at nucleotide position 4856. The serine at codon 1619 is replaced by asparagine, an amino acid with highly similar properties. This amino acid position is conserved. In addition, this alteration is predicted to be tolerated by in silico analysis. Based on the available evidence, the clinical significance of this variant remains unclear.